The following is an entry in ClinVar:

ClinVar aggregate classification (germline): Conflicting classifications of pathogenicity. Review status: criteria provided, conflicting classifications (1 of 4 stars). 5 submissions from 5 submitters: Uncertain significance (1); Likely benign (3). 1 of the submissions does not count toward it. Last evaluated 2026-01-19.

Conditions:
Cleft lip/palate-ectodermal dysplasia syndrome (CLPED1). Also called: ZLOTOGORA-OGUR SYNDROME; Zlotogora syndrome; ECTODERMAL DYSPLASIA, CLEFT LIP AND PALATE, MENTAL RETARDATION, AND SYNDACTYLY; ECTODERMAL DYSPLASIA, MARGARITA ISLAND TYPE; ECTODERMAL DYSPLASIA, TYPE 4. Identifiers: Orphanet 3253, MedGen C2931488, MONDO:0009151, OMIM 225060.
NECTIN1-related disorder. Also called: NECTIN1-related condition.

Allele frequency attached by ClinVar (database versions not stated): TOPMed 0.00025; ExAC 0.00035; gnomAD exomes 0.00037; ESP Exome Variant Server 0.00062.
gnomAD v4.1: 865 of 1,614,154 alleles (0.054%); highest among the groups gnomAD compares: Non-Finnish European, 0.07%; no homozygotes.

Submissions (5):

Labcorp Genetics (formerly Invitae), Labcorp
Classification: Likely benign. Last evaluated: 2026-01-19. Review status: criteria provided, single submitter. Criteria: Invitae Variant Classification Sherloc (09022015). Collection method: clinical testing. Allele origin: germline.

CeGaT Center for Human Genetics Tuebingen
Classification: Likely benign. Last evaluated: 2025-08-01. Review status: criteria provided, single submitter. Criteria: CeGaT Center For Human Genetics Tuebingen Variant Classification Criteria Version 2. Collection method: clinical testing. Allele origin: germline. Affected: yes. Observed: 1 variant allele.
Comment: NECTIN1: BP4, BP7

Blueprint Genetics
Classification: Likely benign. Last evaluated: 2024-06-14. Review status: criteria provided, single submitter. Criteria: ACMG Guidelines, 2015. Collection method: clinical testing. Allele origin: germline.

Illumina Laboratory Services, Illumina
Classification: Uncertain significance for Cleft lip/palate-ectodermal dysplasia syndrome. Last evaluated: 2017-04-27. Review status: criteria provided, single submitter. Criteria: ICSL Variant Classification Criteria 13 December 2019. Collection method: clinical testing. Allele origin: germline.

PreventionGenetics, part of Exact Sciences
Classification: Likely benign for NECTIN1-related condition. Last evaluated: 2019-09-06. Review status: no assertion criteria provided. Collection method: clinical testing. Allele origin: germline. Not counted in ClinVar's aggregate classification.
Comment: This variant is classified as likely benign based on ACMG/AMP sequence variant interpretation guidelines (Richards et al. 2015 PMID: 25741868, with internal and published modifications).

NM_002855.5(NECTIN1):c.375G>A (p.Glu125=)

Gene: NECTIN1 (nectin cell adhesion molecule 1; minus strand). Cytogenetic location: 11q23.3.
Variant type: single nucleotide variant.
Coding change: c.375G>A on transcript NM_002855.5 (MANE Select); coding-DNA position 375, G replaced by A.
Protein change: p.Glu125=; no amino-acid change (glutamic acid 125 retained).
Molecular consequence: synonymous variant.
Genome position (GRCh38, 1-based): chr11:119,678,470, C>T on the plus strand (G>A on the coding strand, the complement: NECTIN1 is on the minus strand). VCF-style: chr11-119678470-C-T. GRCh37 (hg19) VCF-style: chr11-119549180-C-T.
Other names: c.375G>A, p.Glu125= (NM_203285.2, NM_203286.2).
Identifiers: ClinVar variation 719352 (VCV000719352.24), dbSNP rs146919951, ClinGen allele CA6322113.